The following is an entry in ClinVar:

ClinVar aggregate classification (germline): Pathogenic (1 of 4 stars; one submission).

Conditions:
Finnish congenital nephrotic syndrome (NPHS1). Also called: NEPHROTIC SYNDROME, TYPE 1. Identifiers: Orphanet 839, MedGen C0403399, MONDO:0009732, OMIM 256300.

Submission:

Myriad Genetics, Inc.
Classification: Pathogenic for Finnish congenital nephrotic syndrome. Last evaluated: 2023-12-03. Review status: criteria provided, single submitter. Criteria: Myriad Autosomal Dominant, Autosomal Recessive and X-Linked Classification Criteria (2023). Collection method: clinical testing. Allele origin: unknown.
Comment: NM_004646.3(NPHS1):c.809delG(G270Vfs*4) is expected to be pathogenic in the context of nephrotic syndrome, NPHS1-related. This variant is predicted to lead to an abnormal or absent protein product due to the creation of a premature termination codon in NPHS1, a gene where loss-of-function variants are known to be pathogenic. Please note: this variant was assessed in the context of healthy population screening.

NM_004646.4(NPHS1):c.809del (p.Gly270fs)

Gene: NPHS1 (NPHS1 adhesion molecule, nephrin; minus strand). Cytogenetic location: 19q13.12.
Variant type: Deletion.
Coding change: c.809del on transcript NM_004646.4 (MANE Select); coding-DNA position 809, one base deleted (G; older notation c.809delG).
Protein change: p.Gly270fs; shifts the reading frame from glycine 270.
Molecular consequence: frameshift variant.
Genome position (GRCh38, 1-based): chr19:35,849,267, C deleted on the plus strand (G on the coding strand, the reverse complement: NPHS1 is on the minus strand); the first of 5 consecutive C bases (chr19:35,849,267-35,849,271); deleting any one gives the same sequence. VCF-style (leftmost placement, unchanged base first): chr19-35849266-AC-A. GRCh37 (hg19) VCF-style: chr19-36340168-AC-A.
Other names: short protein forms G270fs.
Identifiers: ClinVar variation 5012536 (VCV005012536.1).